The following is an entry in ClinVar:

NM_001164508.2(NEB):c.23524C>T (p.Arg7842Cys)

Genes: NEB (nebulin; minus strand), RIF1 (replication timing regulatory factor 1; plus strand). Cytogenetic location: 2q23.3.
Variant type: single nucleotide variant.
Coding change: c.23524C>T on transcript NM_001164508.2 (MANE Select); coding-DNA position 23524, C replaced by T.
Protein change: p.Arg7842Cys; replaces arginine 7842 with cysteine.
Molecular consequence: missense variant.
Genome position (GRCh38, 1-based): chr2:151,506,941, G>A on the plus strand (C>T on the coding strand, the complement: NEB is on the minus strand). VCF-style: chr2-151506941-G-A. GRCh37 (hg19) VCF-style: chr2-152363455-G-A.
Other names: c.23524C>T, p.Arg7842Cys (NM_001164507.2); c.23629C>T, p.Arg7877Cys (NM_001271208.2); c.18421C>T, p.Arg6141Cys (NM_004543.5); short protein forms R7877C, R7842C, R6141C.
Identifiers: ClinVar variation 534005 (VCV000534005.24), dbSNP rs184516994, ClinGen allele CA1906335.

ClinVar aggregate classification (germline): Conflicting classifications of pathogenicity. Review status: criteria provided, conflicting classifications (1 of 4 stars). 6 submissions from 6 submitters: Uncertain significance (3); Likely benign (1). 2 of the submissions do not count toward it. Last evaluated 2026-08-18.

Conditions:
NEB-related disorder. Also called: NEB-related condition; NEB-Related Disorders.
Nemaline myopathy 2 (NEM2). Also called: Nemaline myopathy 2, autosomal recessive. Identifiers: MedGen C1850569, MONDO:0009725, OMIM 256030.

Allele frequency attached by ClinVar (database versions not stated): ExAC 0.00017; ESP Exome Variant Server 0.00102; 1000 Genomes Project 30x 0.00047; gnomAD exomes 0.00014; gnomAD 0.00050 and 0.00046; TOPMed 0.00053; 1000 Genomes Project 0.00040.
gnomAD v4.1: 156 of 1,610,100 alleles (0.0097%); highest among the groups gnomAD compares: African/African-American, 0.18%; no homozygotes.

Submissions (7):

GeneDx
Classification: Uncertain significance. Last evaluated: 2026-08-18. Review status: criteria provided, single submitter. Criteria: GeneDx Variant Classification Process June 2021. Collection method: clinical testing. Allele origin: germline.
Comment: In silico analysis supports that this missense variant has a deleterious effect on protein structure/function; Has not been previously published as a pathogenic or benign germline variant to our knowledge; This variant is associated with the following publications: (PMID: 31275557)

Labcorp Genetics (formerly Invitae), Labcorp
Classification: Likely benign for Nemaline myopathy 2. Last evaluated: 2026-01-14. Review status: criteria provided, single submitter. Criteria: Invitae Variant Classification Sherloc (09022015). Collection method: clinical testing. Allele origin: germline.

Revvity Omics, Revvity
Classification: Uncertain significance. Last evaluated: 2024-06-26. Review status: criteria provided, single submitter. Criteria: ACMG Guidelines, 2015. Collection method: clinical testing. Allele origin: germline.

Baylor Genetics
Classification: Uncertain significance for Nemaline myopathy 2. Last evaluated: 2019-10-01. Review status: criteria provided, single submitter. Criteria: ACMG Guidelines, 2015. Collection method: clinical testing. Allele origin: unknown. Affected: yes.
Comment: This variant was determined to be of uncertain significance according to ACMG Guidelines, 2015 [PMID:25741868].

PreventionGenetics, part of Exact Sciences
Classification: Likely benign for NEB-related condition. Last evaluated: 2021-06-02. Review status: no assertion criteria provided. Collection method: clinical testing. Allele origin: germline. Not counted in ClinVar's aggregate classification.
Comment: This variant is classified as likely benign based on ACMG/AMP sequence variant interpretation guidelines (Richards et al. 2015 PMID: 25741868, with internal and published modifications).

Natera, Inc.
Classification: Uncertain significance for Nemaline myopathy type 2. Last evaluated: 2019-11-11. Review status: no assertion criteria provided. Collection method: clinical testing. Allele origin: germline. Not counted in ClinVar's aggregate classification.

Dr. Peter K. Rogan Lab, Western University
No classification provided (evidence only). Condition: Clear cell carcinoma of kidney. Review status: no classification provided. Collection method: in vitro. Allele origin: not applicable. Functional consequence: retained intron. Not counted in ClinVar's aggregate classification.